The following is an entry in ClinVar:

NM_033409.4(SLC52A3):c.628G>A (p.Glu210Lys)

Gene: SLC52A3 (solute carrier family 52 member 3; minus strand). Cytogenetic location: 20p13.
Variant type: single nucleotide variant.
Coding change: c.628G>A on transcript NM_033409.4 (MANE Select); coding-DNA position 628, G replaced by A.
Protein change: p.Glu210Lys; replaces glutamic acid 210 with lysine.
Molecular consequence: missense variant.
Genome position (GRCh38, 1-based): chr20:763,943, C>T on the plus strand (G>A on the coding strand, the complement: SLC52A3 is on the minus strand). VCF-style: chr20-763943-C-T. GRCh37 (hg19) VCF-style: chr20-744587-C-T.
Other names: c.628G>A, p.Glu210Lys (NM_001370085.1, NM_001370086.1); short protein forms E210K.
Identifiers: ClinVar variation 543058 (VCV000543058.10), dbSNP rs747663714, ClinGen allele CA9724714.

ClinVar aggregate classification (germline): Uncertain significance. Review status: criteria provided, multiple submitters, no conflicts (2 of 4 stars). 4 submissions from 4 submitters: Uncertain significance (4). Last evaluated 2025-03-18.

Conditions:
Inborn genetic diseases. Identifiers: MedGen C0950123, MeSH D030342.
Brown-Vialetto-van Laere syndrome 1. Also called: BROWN-VIALETTO-VAN LAERE SYNDROME 1, MILD; PONTOBULBAR PALSY WITH DEAFNESS; BULBAR PALSY, PROGRESSIVE, WITH SENSORINEURAL DEAFNESS. Identifiers: Orphanet 572550, Orphanet 97229, MedGen C0796274, MONDO:0024537, OMIM 211530.

Allele frequency attached by ClinVar (database versions not stated): TOPMed 0.00002; gnomAD 0.00003 and 0.00004; gnomAD exomes 0.00004 and 0.00003; ExAC 0.00006.

Submissions (4):

Ambry Genetics
Classification: Uncertain significance for Inborn genetic diseases. Last evaluated: 2025-03-18. Review status: criteria provided, single submitter. Criteria: Ambry Variant Classification Scheme 2023. Collection method: clinical testing. Allele origin: germline.

Blueprint Genetics
Classification: Uncertain significance. Last evaluated: 2024-10-23. Review status: criteria provided, single submitter. Criteria: ACMG Guidelines, 2015. Collection method: clinical testing. Allele origin: germline.

Labcorp Genetics (formerly Invitae), Labcorp
Classification: Uncertain significance for Brown-Vialetto-van Laere syndrome 1. Last evaluated: 2022-10-24. Review status: criteria provided, single submitter. Criteria: Invitae Variant Classification Sherloc (09022015). Collection method: clinical testing. Allele origin: germline.
Comment: This sequence change replaces glutamic acid, which is acidic and polar, with lysine, which is basic and polar, at codon 210 of the SLC52A3 protein (p.Glu210Lys). This variant is present in population databases (rs747663714, gnomAD 0.008%). This variant has not been reported in the literature in individuals affected with SLC52A3-related conditions. ClinVar contains an entry for this variant (Variation ID: 543058). Advanced modeling of protein sequence and biophysical properties (such as structural, functional, and spatial information, amino acid conservation, physicochemical variation, residue mobility, and thermodynamic stability) performed at Invitae indicates that this missense variant is not expected to disrupt SLC52A3 protein function. In summary, the available evidence is currently insufficient to determine the role of this variant in disease. Therefore, it has been classified as a Variant of Uncertain Significance.

Breakthrough Genomics
Classification: Uncertain significance. Review status: criteria provided, single submitter. Criteria: ACMG Guidelines, 2015. Collection method: not provided. Allele origin: germline. Inheritance: Autosomal dominant inheritance. Affected: yes.